The following is an entry in ClinVar:

ClinVar aggregate classification (germline): Uncertain significance. Review status: criteria provided, multiple submitters, no conflicts (2 of 4 stars). 2 submissions from 2 submitters: Uncertain significance (2). Last evaluated 2025-08-03.

Conditions:
Hypotrichosis 13 (HYPT13). Also called: HYPOTRICHOSIS WITH WOOLLY HAIR. Identifiers: Orphanet 170, MedGen C4014616, MONDO:0014390, OMIM 615896.

Allele frequency attached by ClinVar (database versions not stated): gnomAD exomes below 0.00001 and 0.00001; ExAC 0.00001; gnomAD 0.00001; TOPMed 0.00001; ESP Exome Variant Server 0.00008.
gnomAD v4.1: 8 of 1,560,124 alleles (0.00051%); highest among the groups gnomAD compares: Middle Eastern, 0.05%; no homozygotes.

Submissions (2):

Ambry Genetics
Classification: Uncertain significance. Last evaluated: 2025-08-03. Review status: criteria provided, single submitter. Criteria: Ambry Variant Classification Scheme 2023. Collection method: clinical testing. Allele origin: germline.

Baylor Genetics
Classification: Uncertain significance for Hypotrichosis 13. Last evaluated: 2019-10-25. Review status: criteria provided, single submitter. Criteria: ACMG Guidelines, 2015. Collection method: clinical testing. Allele origin: unknown. Affected: yes.
Comment: This variant was determined to be of uncertain significance according to ACMG Guidelines, 2015 [PMID:25741868].

NM_033448.3(KRT71):c.1349C>T (p.Pro450Leu)

Gene: KRT71 (keratin 71; minus strand). Cytogenetic location: 12q13.13.
Variant type: single nucleotide variant.
Coding change: c.1349C>T on transcript NM_033448.3 (MANE Select); coding-DNA position 1349, C replaced by T.
Protein change: p.Pro450Leu; replaces proline 450 with leucine.
Molecular consequence: missense variant.
Genome position (GRCh38, 1-based): chr12:52,545,576, G>A on the plus strand (C>T on the coding strand, the complement: KRT71 is on the minus strand). VCF-style: chr12-52545576-G-A. GRCh37 (hg19) VCF-style: chr12-52939360-G-A.
Other names: short protein forms P450L.
Identifiers: ClinVar variation 1028520 (VCV001028520.2), dbSNP rs372311616, ClinGen allele CA6583089.